The following is an entry in ClinVar:

NM_000052.7(ATP7A):c.2329C>T (p.Pro777Ser)

Gene: ATP7A (ATPase copper transporting alpha; plus strand). Cytogenetic location: Xq21.1.
Variant type: single nucleotide variant.
Coding change: c.2329C>T on transcript NM_000052.7 (MANE Select); coding-DNA position 2329, C replaced by T.
Protein change: p.Pro777Ser; replaces proline 777 with serine.
Molecular consequence: missense variant. On other transcripts: intron variant (1).
Genome position (GRCh38, 1-based): chrX:78,013,035, C>T. VCF-style: chrX-78013035-C-T. GRCh37 (hg19) VCF-style: chrX-77268532-C-T.
Other names: c.2172+1361C>T (NM_001282224.2); short protein forms P777S.
Identifiers: ClinVar variation 3360093 (VCV003360093.1).
Genomic context (GRCh38, chrX:78,013,035, plus strand): 5'-GCATTTGCCTACTCTTTGATTATTCTTCTAGTTGCAATGTATGAGAGAGCCAAAGTGAAC[C>T]CTATTACTTTCTTTGACACACCCCCTATGCTGTTTGTGTTTATTGCACTAGGCCGATGGC-3'
Protein context (NP_000043.4, residues 767-787): VAMYERAKVN[Pro777Ser]ITFFDTPPML

ClinVar aggregate classification (germline): Uncertain significance (1 of 4 stars; one submission).

Submission:

GeneDx
Classification: Uncertain significance. Last evaluated: 2023-06-21. Review status: criteria provided, single submitter. Criteria: GeneDx Variant Classification Process June 2021. Collection method: clinical testing. Allele origin: germline. Affected: yes.
Comment: Not observed at significant frequency in large population cohorts (gnomAD); In silico analysis supports that this missense variant has a deleterious effect on protein structure/function; Has not been previously published as pathogenic or benign to our knowledge